The following is an entry in ClinVar:

NM_002471.4(MYH6):c.5338C>T (p.His1780Tyr)

Gene: MYH6 (myosin heavy chain 6; minus strand). Cytogenetic location: 14q11.2.
Variant type: single nucleotide variant.
Coding change: c.5338C>T on transcript NM_002471.4 (MANE Select); coding-DNA position 5338, C replaced by T.
Protein change: p.His1780Tyr; replaces histidine 1780 with tyrosine.
Molecular consequence: missense variant.
Genome position (GRCh38, 1-based): chr14:23,384,669, G>A on the plus strand (C>T on the coding strand, the complement: MYH6 is on the minus strand). VCF-style: chr14-23384669-G-A. GRCh37 (hg19) VCF-style: chr14-23853878-G-A.
Other names: short protein forms H1780Y.
Identifiers: ClinVar variation 1004423 (VCV001004423.8), dbSNP rs1046257632, ClinGen allele CA257776482.
Genomic context (GRCh38, chr14:23,384,669, plus strand): 5'-CCAGCCGGTGCTGCAGGTCCTTAATGGTCTGCTCCATGTTCTTCTTCATGCGCTCCAGGT[G>A]GGCGCTGGTGTCCTGCTCCTTCTTCAGCTCCTCTGCCATCATGGCGGCCTGTGTGCAGGA-3'
Protein context (NP_002462.2, residues 1770-1790): ELKKEQDTSA[His1780Tyr]LERMKKNMEQ

ClinVar aggregate classification (germline): Uncertain significance. Review status: criteria provided, multiple submitters, no conflicts (2 of 4 stars). 2 submissions from 2 submitters: Uncertain significance (2). Last evaluated 2024-12-17.

Conditions:
Hypertrophic cardiomyopathy 14. Identifiers: MedGen C2750467, MONDO:0013197, OMIM 613251.
Cardiovascular phenotype. Identifiers: MedGen CN230736.

Allele frequency attached by ClinVar (database versions not stated): gnomAD exomes below 0.00001; TOPMed below 0.00001.
gnomAD v4.1: 6 of 1,614,254 alleles (0.00037%); highest among the groups gnomAD compares: Admixed American, 0.0017%; no homozygotes.

Submissions (2):

Labcorp Genetics (formerly Invitae), Labcorp
Classification: Uncertain significance for Hypertrophic cardiomyopathy 14. Last evaluated: 2024-12-17. Review status: criteria provided, single submitter. Criteria: Invitae Variant Classification Sherloc (09022015). Collection method: clinical testing. Allele origin: germline.
Comment: This sequence change replaces histidine, which is basic and polar, with tyrosine, which is neutral and polar, at codon 1780 of the MYH6 protein (p.His1780Tyr). This variant is present in population databases (no rsID available, gnomAD 0.0008%). This variant has not been reported in the literature in individuals affected with MYH6-related conditions. ClinVar contains an entry for this variant (Variation ID: 1004423). Invitae Evidence Modeling of protein sequence and biophysical properties (such as structural, functional, and spatial information, amino acid conservation, physicochemical variation, residue mobility, and thermodynamic stability) has been performed for this missense variant. However, the output from this modeling did not meet the statistical confidence thresholds required to predict the impact of this variant on MYH6 protein function. In summary, the available evidence is currently insufficient to determine the role of this variant in disease. Therefore, it has been classified as a Variant of Uncertain Significance.

Ambry Genetics
Classification: Uncertain significance for Cardiovascular phenotype. Last evaluated: 2020-03-24. Review status: criteria provided, single submitter. Criteria: Ambry Variant Classification Scheme 2023. Collection method: clinical testing. Allele origin: germline.
Comment: The p.H1780Y variant (also known as c.5338C>T), located in coding exon 34 of the MYH6 gene, results from a C to T substitution at nucleotide position 5338. The histidine at codon 1780 is replaced by tyrosine, an amino acid with similar properties. This amino acid position is highly conserved in available vertebrate species. In addition, the in silico prediction for this alteration is inconclusive. Since supporting evidence is limited at this time, the clinical significance of this alteration remains unclear.